The following is an entry in ClinVar:

ClinVar aggregate classification (germline): Uncertain significance (1 of 4 stars; one submission).

Submission:

GeneDx
Classification: Uncertain significance. Last evaluated: 2023-04-27. Review status: criteria provided, single submitter. Criteria: GeneDx Variant Classification Process June 2021. Collection method: clinical testing. Allele origin: germline. Affected: yes.
Comment: Not observed at significant frequency in large population cohorts (gnomAD); In silico analysis supports that this missense variant has a deleterious effect on protein structure/function; Has not been previously published as pathogenic or benign to our knowledge

NM_006734.4(HIVEP2):c.565T>C (p.Tyr189His)

Gene: HIVEP2 (HIVEP zinc finger 2; minus strand). Cytogenetic location: 6q24.2.
Variant type: single nucleotide variant.
Coding change: c.565T>C on transcript NM_006734.4 (MANE Select); coding-DNA position 565, T replaced by C.
Protein change: p.Tyr189His; replaces tyrosine 189 with histidine.
Molecular consequence: missense variant.
Genome position (GRCh38, 1-based): chr6:142,774,174, A>G on the plus strand (T>C on the coding strand, the complement: HIVEP2 is on the minus strand). VCF-style: chr6-142774174-A-G. GRCh37 (hg19) VCF-style: chr6-143095311-A-G.
Other names: short protein forms Y189H.
Identifiers: ClinVar variation 2663495 (VCV002663495.1), dbSNP rs2482855443, ClinGen allele CA365915780.
Genomic context (GRCh38, chr6:142,774,174, plus strand): 5'-TGATGTGTTTTTTCAGTACACTAGGTTTGGCACACGCTCTGCTGCAGTAAGGGCAAATGT[A>G]CTTGCCAGGCTTTTTGGGTTTGTGCTCTTTCTTGTGAGCCTCTTCTGCCTGTTCAATACT-3'
Protein context (NP_006725.3, residues 179-199): KEHKPKKPGK[Tyr189His]ICPYCSRACA